The following is an entry in ClinVar:

NM_001036.6(RYR3):c.9664C>G (p.Leu3222Val)

Gene: RYR3 (ryanodine receptor 3; plus strand). Cytogenetic location: 15q14.
Variant type: single nucleotide variant.
Coding change: c.9664C>G on transcript NM_001036.6 (MANE Select); coding-DNA position 9664, C replaced by G.
Protein change: p.Leu3222Val; replaces leucine 3222 with valine.
Molecular consequence: missense variant.
Genome position (GRCh38, 1-based): chr15:33,788,292, C>G. VCF-style: chr15-33788292-C-G. GRCh37 (hg19) VCF-style: chr15-34080493-C-G.
Other names: c.9664C>G (NM_001036.3); c.9664C>G, p.Leu3222Val (NM_001243996.4); short protein forms L3222V.
Identifiers: ClinVar variation 834225 (VCV000834225.9), dbSNP rs911946537, ClinGen allele CA268605113.

ClinVar aggregate classification (germline): Uncertain significance. Review status: criteria provided, multiple submitters, no conflicts (2 of 4 stars). 2 submissions from 2 submitters: Uncertain significance (2). Last evaluated 2025-10-03.

Conditions:
Epileptic encephalopathy. Identifiers: MedGen C0543888, HP:0200134.

Allele frequency attached by ClinVar (database versions not stated): gnomAD exomes below 0.00001 and 0.00001; gnomAD 0.00005 and 0.00007; TOPMed 0.00023.
gnomAD v4.1: 23 of 1,614,008 alleles (0.0014%); highest among the groups gnomAD compares: Admixed American, 0.028%; no homozygotes.

Submissions (2):

Ambry Genetics
Classification: Uncertain significance. Last evaluated: 2025-10-03. Review status: criteria provided, single submitter. Criteria: Ambry Variant Classification Scheme 2023. Collection method: clinical testing. Allele origin: germline.

Labcorp Genetics (formerly Invitae), Labcorp
Classification: Uncertain significance for Epileptic encephalopathy. Last evaluated: 2021-09-02. Review status: criteria provided, single submitter. Criteria: Invitae Variant Classification Sherloc (09022015). Collection method: clinical testing. Allele origin: germline.
Comment: This sequence change replaces leucine with valine at codon 3222 of the RYR3 protein (p.Leu3222Val). The leucine residue is highly conserved and there is a small physicochemical difference between leucine and valine. This variant is not present in population databases (ExAC no frequency). This variant has not been reported in the literature in individuals affected with RYR3-related conditions. Algorithms developed to predict the effect of missense changes on protein structure and function are either unavailable or do not agree on the potential impact of this missense change (SIFT: "Deleterious"; PolyPhen-2: "Probably Damaging"; Align-GVGD: "Class C0"). Algorithms developed to predict the effect of sequence changes on RNA splicing suggest that this variant may create or strengthen a splice site. In summary, the available evidence is currently insufficient to determine the role of this variant in disease. Therefore, it has been classified as a Variant of Uncertain Significance.